The following is an entry in ClinVar:

NM_000494.4(COL17A1):c.3336_3339dup (p.Pro1114fs)

Gene: COL17A1 (collagen type XVII alpha 1 chain; minus strand). Cytogenetic location: 10q25.1.
Variant type: Duplication.
Coding change: c.3336_3339dup on transcript NM_000494.4 (MANE Select); coding-DNA positions 3336 to 3339, 4 bases duplicated (GCCA; older notation c.3336_3339dupGCCA).
Protein change: p.Pro1114fs; shifts the reading frame from proline 1114.
Molecular consequence: frameshift variant.
Genome position (GRCh38, 1-based): chr10:104,036,571-104,036,574, TGGC duplicated on the plus strand (GCCA on the coding strand, the reverse complement: COL17A1 is on the minus strand). VCF-style (leftmost placement, unchanged base first): chr10-104036570-G-GTGGC. GRCh37 (hg19) VCF-style: chr10-105796328-G-GTGGC.
Other names: short protein forms P1114fs.
Identifiers: ClinVar variation 2752980 (VCV002752980.3), dbSNP rs2493286164, ClinGen allele CA2697558756.
Genomic context (GRCh38, chr10:104,036,570, plus strand): 5'-TGCGACTACTCAGCTCTGCATAGTCCAAAGACAGGAGGGACCCATCTCCACTGGCTCCTG[G>GTGGC]TGGCCCTGGCGGACCCCGAGGGCCCATCAAGTACTGACGTAGGTACTGACGCACGTCATC-3'

ClinVar aggregate classification (germline): Pathogenic (1 of 4 stars; one submission).

Submission:

Labcorp Genetics (formerly Invitae), Labcorp
Classification: Pathogenic. Last evaluated: 2023-08-16. Review status: criteria provided, single submitter. Criteria: Invitae Variant Classification Sherloc (09022015). Collection method: clinical testing. Allele origin: germline.
Comment: For these reasons, this variant has been classified as Pathogenic. This variant has not been reported in the literature in individuals affected with COL17A1-related conditions. This variant is not present in population databases (gnomAD no frequency). This sequence change creates a premature translational stop signal (p.Pro1114Alafs*20) in the COL17A1 gene. It is expected to result in an absent or disrupted protein product. Loss-of-function variants in COL17A1 are known to be pathogenic (PMID: 16473856, 17344927, 20301304, 21357940, 24319098).

Literature cited by the submitters: PubMed 16473856; PubMed 17344927; PubMed 20301304; PubMed 21357940; PubMed 24319098.